The following is an entry in ClinVar:

ClinVar aggregate classification (germline): Conflicting classifications of pathogenicity. Review status: criteria provided, conflicting classifications (1 of 4 stars). 5 submissions from 5 submitters: Uncertain significance (4); Likely benign (1). Last evaluated 2025-12-17.

Conditions:
Hereditary cancer-predisposing syndrome. Also called: Hereditary Cancer Syndrome; Neoplastic Syndromes, Hereditary; Tumor predisposition; Hereditary neoplastic syndrome. Identifiers: Orphanet 140162, MedGen C0027672, MeSH D009386, MONDO:0015356.
Breast-ovarian cancer, familial, susceptibility to, 2 (BROVCA2). Also called: BRCA2 Hereditary Breast and Ovarian Cancer. Identifiers: Orphanet 145, MedGen C2675520, MONDO:0012933, OMIM 612555. Disease mechanism: loss of function.
Hereditary breast ovarian cancer syndrome. Also called: Breast and ovarian cancer; Hereditary breast and ovarian cancer; Hereditary breast and ovarian cancer syndrome (HBOC); BRCA1- and BRCA2-Associated Hereditary Breast and Ovarian Cancer; Hereditary breast and ovarian cancer syndrome; Hereditary breast and/or ovarian cancer syndrome. Identifiers: Orphanet 145, MedGen C0677776, MeSH D061325, MONDO:0003582. Disease mechanism: loss of function.

gnomAD v4.1: 2 of 1,597,432 alleles (0.00013%); highest among the groups gnomAD compares: South Asian, 0.0011%; no homozygotes.

Submissions (5):

Ambry Genetics
Classification: Uncertain significance for Hereditary cancer-predisposing syndrome. Last evaluated: 2025-12-17. Review status: criteria provided, single submitter. Criteria: Ambry Variant Classification Scheme 2023. Collection method: clinical testing. Allele origin: germline.
Comment: The p.Q1429H variant (also known as c.4287G>T), located in coding exon 10 of the BRCA2 gene, results from a G to T substitution at nucleotide position 4287. The glutamine at codon 1429 is replaced by histidine, an amino acid with highly similar properties. This amino acid position is well conserved in available vertebrate species. In addition, the in silico prediction for this alteration is inconclusive. Based on the available evidence, the clinical significance of this variant remains unclear.

All of Us Research Program, National Institutes of Health
Classification: Uncertain significance for Breast-ovarian cancer, familial, susceptibility to, 2. Last evaluated: 2023-07-19. Review status: criteria provided, single submitter. Criteria: ACMG Guidelines, 2015. Collection method: clinical testing. Allele origin: germline. Inheritance: Autosomal dominant inheritance. Observed: 1 variant allele, 1 heterozygote.
Comment: This missense variant replaces glutamine with histidine at codon 1429 of the BRCA2 protein. Computational prediction suggests that this variant may not impact protein structure and function (internally defined REVEL score threshold <= 0.5, PMID: 27666373). To our knowledge, functional studies have not been reported for this variant. This variant has been reported in an individual affected with breast cancer (PMID: 33471991; Leiden Open Variation Database DB-ID BRCA2_001669). This variant has not been identified in the general population by the Genome Aggregation Database (gnomAD). The available evidence is insufficient to determine the role of this variant in disease conclusively. Therefore, this variant is classified as a Variant of Uncertain Significance.

This study involves interpretation of variants in research participants for the purpose of population health screening. Participant phenotype was not available at the time of variant classification. Additional details can be found in publication PMID: 35346344, PMCID: PMC8962531

Color Diagnostics, LLC DBA Color Health
Classification: Uncertain significance for Hereditary cancer-predisposing syndrome. Last evaluated: 2023-07-06. Review status: criteria provided, single submitter. Criteria: ACMG Guidelines, 2015. Collection method: clinical testing. Allele origin: germline.
Comment: This missense variant replaces glutamine with histidine at codon 1429 of the BRCA2 protein. Computational prediction suggests that this variant may not impact protein structure and function (internally defined REVEL score threshold <= 0.5, PMID: 27666373). To our knowledge, functional studies have not been reported for this variant. This variant has been reported in an individual affected with breast cancer (PMID: 33471991; Leiden Open Variation Database DB-ID BRCA2_001669). This variant has not been identified in the general population by the Genome Aggregation Database (gnomAD). The available evidence is insufficient to determine the role of this variant in disease conclusively. Therefore, this variant is classified as a Variant of Uncertain Significance.

University of Washington Department of Laboratory Medicine, University of Washington
Classification: Likely benign for Hereditary cancer-predisposing syndrome. Last evaluated: 2023-03-23. Review status: criteria provided, single submitter. Criteria: Dines et al. (Genet Med. 2020). Collection method: curation. Allele origin: germline.
Comment: Missense variant in a coldspot region where missense variants are very unlikely to be pathogenic (PMID:31911673).

BRCA2 exon 11 coldspot. Reclassification based on statistical prior probability.

Labcorp Genetics (formerly Invitae), Labcorp
Classification: Uncertain significance for Hereditary breast ovarian cancer syndrome. Last evaluated: 2020-03-14. Review status: criteria provided, single submitter. Criteria: Invitae Variant Classification Sherloc (09022015). Collection method: clinical testing. Allele origin: germline.
Comment: This sequence change replaces glutamine with histidine at codon 1429 of the BRCA2 protein (p.Gln1429His). The glutamine residue is highly conserved and there is a small physicochemical difference between glutamine and histidine. This variant is not present in population databases (ExAC no frequency). This variant has been reported in individuals in the Leiden Open-source Variation Database (PMID: 21520333). Algorithms developed to predict the effect of missense changes on protein structure and function output the following: SIFT: "Deleterious"; PolyPhen-2: "Benign"; Align-GVGD: "Class C0". The histidine amino acid residue is found in multiple mammalian species, suggesting that this missense change does not adversely affect protein function. These predictions have not been confirmed by published functional studies and their clinical significance is uncertain. In summary, the available evidence is currently insufficient to determine the role of this variant in disease. Therefore, it has been classified as a Variant of Uncertain Significance.

Literature cited by the submitters: PubMed 33471991 (cited by All of Us Research Program, National Institutes of Health and Color Diagnostics, LLC DBA Color Health); PubMed 21520333 (cited by Labcorp Genetics (formerly Invitae), Labcorp).

NM_000059.4(BRCA2):c.4287G>T (p.Gln1429His)

Gene: BRCA2 (BRCA2 DNA repair associated; plus strand). Cytogenetic location: 13q13.1.
Variant type: single nucleotide variant.
Coding change: c.4287G>T on transcript NM_000059.4 (MANE Select); coding-DNA position 4287, G replaced by T.
Protein change: p.Gln1429His; replaces glutamine 1429 with histidine.
Molecular consequence: missense variant.
Genome position (GRCh38, 1-based): chr13:32,338,642, G>T. VCF-style: chr13-32338642-G-T. GRCh37 (hg19) VCF-style: chr13-32912779-G-T.
Other names: short protein forms Q1429H.
Identifiers: ClinVar variation 1010397 (VCV001010397.16), dbSNP rs2072500788, ClinGen allele CA387780642.